The following is an entry in ClinVar:

ClinVar aggregate classification (germline): Conflicting classifications of pathogenicity. Review status: criteria provided, conflicting classifications (1 of 4 stars). 5 submissions from 5 submitters: Uncertain significance (2); Benign (1); Likely benign (2). Last evaluated 2026-08-01.

Conditions:
Inborn genetic diseases. Identifiers: MedGen C0950123, MeSH D030342.
Intellectual developmental disorder, X-linked 93. Also called: MENTAL RETARDATION, X-LINKED, WITH MACROCEPHALY; Intellectual disability, X-linked 93. Identifiers: MedGen C1970841, MONDO:0010393, OMIM 300659.

Allele frequency attached by ClinVar (database versions not stated): ExAC 0.00002.
gnomAD v4.1: 13 of 1,210,067 alleles (0.0011%); highest among the groups gnomAD compares: Admixed American, 0.0022%; no homozygotes.

Submissions (5):

CeGaT Center for Human Genetics Tuebingen
Classification: Likely benign. Last evaluated: 2026-08-01. Review status: criteria provided, single submitter. Criteria: CeGaT Center For Human Genetics Tuebingen Variant Classification Criteria Version 2. Collection method: clinical testing. Allele origin: germline. Affected: yes. Observed: 1 variant allele.
Comment: BRWD3: BP4, BS2

Labcorp Genetics (formerly Invitae), Labcorp
Classification: Benign. Last evaluated: 2025-12-05. Review status: criteria provided, single submitter. Criteria: Invitae Variant Classification Sherloc (09022015). Collection method: clinical testing. Allele origin: germline.

Blueprint Genetics
Classification: Likely benign. Last evaluated: 2024-10-21. Review status: criteria provided, single submitter. Criteria: ACMG Guidelines, 2015. Collection method: clinical testing. Allele origin: germline.

Ambry Genetics
Classification: Uncertain significance for Inborn genetic diseases. Last evaluated: 2023-06-29. Review status: criteria provided, single submitter. Criteria: Ambry Variant Classification Scheme 2023. Collection method: clinical testing. Allele origin: germline.

Revvity Omics, Revvity
Classification: Uncertain significance for Intellectual developmental disorder, X-linked 93. Last evaluated: 2020-03-04. Review status: criteria provided, single submitter. Criteria: ACMG Guidelines, 2015. Collection method: clinical testing. Allele origin: germline.

NM_153252.5(BRWD3):c.4586G>A (p.Arg1529Gln)

Gene: BRWD3 (bromodomain and WD repeat domain containing 3; minus strand). Cytogenetic location: Xq21.1.
Variant type: single nucleotide variant.
Coding change: c.4586G>A on transcript NM_153252.5 (MANE Select); coding-DNA position 4586, G replaced by A.
Protein change: p.Arg1529Gln; replaces arginine 1529 with glutamine.
Molecular consequence: missense variant.
Genome position (GRCh38, 1-based): chrX:80,681,409, C>T on the plus strand (G>A on the coding strand, the complement: BRWD3 is on the minus strand). VCF-style: chrX-80681409-C-T. GRCh37 (hg19) VCF-style: chrX-79936908-C-T.
Other names: short protein forms R1529Q.
Identifiers: ClinVar variation 1741673 (VCV001741673.9), dbSNP rs778419234, ClinGen allele CA10461622.